The following is an entry in ClinVar:

NM_054012.4(ASS1):c.601C>G (p.Gln201Glu)

Gene: ASS1 (argininosuccinate synthase 1; plus strand). Cytogenetic location: 9q34.11.
Variant type: single nucleotide variant.
Coding change: c.601C>G on transcript NM_054012.4 (MANE Select); coding-DNA position 601, C replaced by G.
Protein change: p.Gln201Glu; replaces glutamine 201 with glutamic acid.
Molecular consequence: missense variant.
Genome position (GRCh38, 1-based): chr9:130,476,874, C>G. VCF-style: chr9-130476874-C-G. GRCh37 (hg19) VCF-style: chr9-133352261-C-G.
Other names: c.601C>G, p.Gln201Glu (NM_000050.4); short protein forms Q201E.
Identifiers: ClinVar variation 2153177 (VCV002153177.2), dbSNP rs563922134, ClinGen allele CA5283397.

ClinVar aggregate classification (germline): Uncertain significance. Review status: criteria provided, multiple submitters, no conflicts (2 of 4 stars). 2 submissions from 2 submitters: Uncertain significance (2). Last evaluated 2025-04-03.

Conditions:
Citrullinemia. Identifiers: Orphanet 187, MedGen C0175683, MONDO:0015991.
Inborn genetic diseases. Identifiers: MedGen C0950123, MeSH D030342.

Allele frequency attached by ClinVar (database versions not stated): ExAC 0.00006; gnomAD 0.00006; TOPMed 0.00005; 1000 Genomes Project 30x 0.00016; 1000 Genomes Project 0.00020.
gnomAD v4.1: 31 of 1,613,864 alleles (0.0019%); highest among the groups gnomAD compares: South Asian, 0.0055%; no homozygotes.

Submissions (2):

Ambry Genetics
Classification: Uncertain significance for Inborn genetic diseases. Last evaluated: 2025-04-03. Review status: criteria provided, single submitter. Criteria: Ambry Variant Classification Scheme 2023. Collection method: clinical testing. Allele origin: germline.

Labcorp Genetics (formerly Invitae), Labcorp
Classification: Uncertain significance for Citrullinemia. Last evaluated: 2021-12-27. Review status: criteria provided, single submitter. Criteria: Invitae Variant Classification Sherloc (09022015). Collection method: clinical testing. Allele origin: germline.
Comment: This sequence change replaces glutamine, which is neutral and polar, with glutamic acid, which is acidic and polar, at codon 201 of the ASS1 protein (p.Gln201Glu). This variant is present in population databases (rs563922134, gnomAD 0.01%). This variant has not been reported in the literature in individuals affected with ASS1-related conditions. Algorithms developed to predict the effect of missense changes on protein structure and function (SIFT, PolyPhen-2, Align-GVGD) all suggest that this variant is likely to be tolerated. In summary, the available evidence is currently insufficient to determine the role of this variant in disease. Therefore, it has been classified as a Variant of Uncertain Significance.